The following is an entry in ClinVar:

ClinVar aggregate classification (germline): Uncertain significance (1 of 4 stars; one submission).

Conditions:
Neuropathy, hereditary sensory and autonomic, type 2A (HSAN2A). Also called: ACROOSTEOLYSIS, GIACCAI TYPE; ACROOSTEOLYSIS, NEUROGENIC; WNK1-Related HSAN2 (HSAN2A); MORVAN DISEASE; NEUROPATHY, CONGENITAL SENSORY; NEUROPATHY, HEREDITARY SENSORY RADICULAR, AUTOSOMAL RECESSIVE. Identifiers: Orphanet 970, MedGen C2752089, MONDO:0024309, OMIM 201300.
Generalized epilepsy with febrile seizures plus, type 7 (GEFSP7). Also called: GEFS+, TYPE 7. Identifiers: Orphanet 36387, MedGen C2751778, MONDO:0013470, OMIM 613863.

gnomAD v4.1: 2 of 1,605,106 alleles (0.00012%); highest among the groups gnomAD compares: Non-Finnish European, 0.00017%; no homozygotes.

Submission:

Labcorp Genetics (formerly Invitae), Labcorp
Classification: Uncertain significance for Neuropathy, hereditary sensory and autonomic, type 2A; Generalized epilepsy with febrile seizures plus, type 7. Last evaluated: 2024-10-02. Review status: criteria provided, single submitter. Criteria: Invitae Variant Classification Sherloc (09022015). Collection method: clinical testing. Allele origin: germline.
Comment: This sequence change replaces proline, which is neutral and non-polar, with serine, which is neutral and polar, at codon 1489 of the SCN9A protein (p.Pro1489Ser). This variant is not present in population databases (gnomAD no frequency). This variant has not been reported in the literature in individuals affected with SCN9A-related conditions. Invitae Evidence Modeling of protein sequence and biophysical properties (such as structural, functional, and spatial information, amino acid conservation, physicochemical variation, residue mobility, and thermodynamic stability) has been performed for this missense variant. However, the output from this modeling did not meet the statistical confidence thresholds required to predict the impact of this variant on SCN9A protein function. In summary, the available evidence is currently insufficient to determine the role of this variant in disease. Therefore, it has been classified as a Variant of Uncertain Significance.

NM_001365536.1(SCN9A):c.4498C>T (p.Pro1500Ser)

Genes: SCN9A (sodium voltage-gated channel alpha subunit 9; minus strand), SCN1A-AS1 (SCN1A and SCN9A antisense RNA 1; plus strand). Cytogenetic location: 2q24.3.
Variant type: single nucleotide variant.
Coding change: c.4498C>T on transcript NM_001365536.1 (MANE Select); coding-DNA position 4498, C replaced by T.
Protein change: p.Pro1500Ser; replaces proline 1500 with serine.
Molecular consequence: missense variant.
Genome position (GRCh38, 1-based): chr2:166,204,365, G>A on the plus strand (C>T on the coding strand, the complement: SCN9A is on the minus strand). VCF-style: chr2-166204365-G-A. GRCh37 (hg19) VCF-style: chr2-167060875-G-A.
Other names: c.4465C>T, p.Pro1489Ser (NM_002977.4); short protein forms P1489S, P1500S.
Identifiers: ClinVar variation 3758624 (VCV003758624.2).
Genomic context (GRCh38, chr2:166,204,365, plus strand): 5'-ATGAATTAGAAATAATTTGAAAATCTATATGCTAAAGATATATATATTTTTTTACCCCTG[G>A]TCGAGGAATTGGCTTTTGTGGCTTCTTGGACCCCAGCTTTTTCATTGCATTATAGTATTT-3'
Protein context (NP_001352465.1, residues 1490-1510): SKKPQKPIPR[Pro1500Ser]GNKIQGCIFD